The following is an entry in ClinVar:

NM_006734.4(HIVEP2):c.793A>C (p.Ile265Leu)

Gene: HIVEP2 (HIVEP zinc finger 2; minus strand). Cytogenetic location: 6q24.2.
Variant type: single nucleotide variant.
Coding change: c.793A>C on transcript NM_006734.4 (MANE Select); coding-DNA position 793, A replaced by C.
Protein change: p.Ile265Leu; replaces isoleucine 265 with leucine.
Molecular consequence: missense variant.
Genome position (GRCh38, 1-based): chr6:142,773,946, T>G on the plus strand (A>C on the coding strand, the complement: HIVEP2 is on the minus strand). VCF-style: chr6-142773946-T-G. GRCh37 (hg19) VCF-style: chr6-143095083-T-G.
Other names: short protein forms I265L.
Identifiers: ClinVar variation 2121935 (VCV002121935.4), dbSNP rs751747687, ClinGen allele CA365915258.

ClinVar aggregate classification (germline): Uncertain significance (1 of 4 stars; one submission).

gnomAD v4.1: 1 of 1,614,168 alleles (0.000062%); no homozygotes.

Submission:

Labcorp Genetics (formerly Invitae), Labcorp
Classification: Uncertain significance. Last evaluated: 2022-06-08. Review status: criteria provided, single submitter. Criteria: Invitae Variant Classification Sherloc (09022015). Collection method: clinical testing. Allele origin: germline.
Comment: In summary, the available evidence is currently insufficient to determine the role of this variant in disease. Therefore, it has been classified as a Variant of Uncertain Significance. Algorithms developed to predict the effect of missense changes on protein structure and function (SIFT, PolyPhen-2, Align-GVGD) all suggest that this variant is likely to be tolerated. This variant has not been reported in the literature in individuals affected with HIVEP2-related conditions. This variant is not present in population databases (gnomAD no frequency). This sequence change replaces isoleucine, which is neutral and non-polar, with leucine, which is neutral and non-polar, at codon 265 of the HIVEP2 protein (p.Ile265Leu).